The following is an entry in ClinVar:

NM_005996.4(TBX3):c.1684C>A (p.Leu562Ile)

Gene: TBX3 (T-box transcription factor 3; minus strand). Cytogenetic location: 12q24.21.
Variant type: single nucleotide variant.
Coding change: c.1684C>A on transcript NM_005996.4 (MANE Select); coding-DNA position 1684, C replaced by A.
Protein change: p.Leu562Ile; replaces leucine 562 with isoleucine.
Molecular consequence: missense variant.
Genome position (GRCh38, 1-based): chr12:114,674,191, G>T on the plus strand (C>A on the coding strand, the complement: TBX3 is on the minus strand). VCF-style: chr12-114674191-G-T. GRCh37 (hg19) VCF-style: chr12-115111996-G-T.
Other names: c.1744C>A, p.Leu582Ile (NM_016569.4); short protein forms L562I, L582I.
Identifiers: ClinVar variation 4997308 (VCV004997308.1).

ClinVar aggregate classification (germline): Uncertain significance (1 of 4 stars; one submission).

Conditions:
TBX3-related disorder. Also called: TBX3-related condition.

gnomAD v4.1: 1 of 1,584,324 alleles (0.000063%); highest among the groups gnomAD compares: Non-Finnish European, 0.000086%; no homozygotes.

Submission:

PreventionGenetics, part of Exact Sciences
Classification: Uncertain significance for TBX3-related condition. Last evaluated: 2025-01-02. Review status: criteria provided, single submitter. Criteria: ACMG Guidelines, 2015. Collection method: clinical testing. Allele origin: germline.
Comment: The TBX3 c.1744C>A variant is predicted to result in the amino acid substitution p.Leu582Ile. To our knowledge, this variant has not been reported in the literature or in a large population database (gnomAD), indicating this variant is rare. At this time, the clinical significance of this variant is uncertain due to the absence of conclusive functional and genetic evidence.